The following is an entry in ClinVar:

NM_006206.6(PDGFRA):c.112G>C (p.Val38Leu)

Gene: PDGFRA (platelet derived growth factor receptor alpha; plus strand). Cytogenetic location: 4q12.
Variant type: single nucleotide variant.
Coding change: c.112G>C on transcript NM_006206.6 (MANE Select); coding-DNA position 112, G replaced by C.
Protein change: p.Val38Leu; replaces valine 38 with leucine.
Molecular consequence: missense variant.
Genome position (GRCh38, 1-based): chr4:54,261,157, G>C. VCF-style: chr4-54261157-G-C. GRCh37 (hg19) VCF-style: chr4-55127324-G-C.
Other names: c.112G>C, p.Val38Leu (NM_001347827.2, NM_001347829.2); c.187G>C, p.Val63Leu (NM_001347828.2); c.151G>C, p.Val51Leu (NM_001347830.2); short protein forms V38L, V51L, V63L.
Identifiers: ClinVar variation 969554 (VCV000969554.13), dbSNP rs1560466594, ClinGen allele CA356888274.

ClinVar aggregate classification (germline): Uncertain significance. Review status: criteria provided, multiple submitters, no conflicts (2 of 4 stars). 2 submissions from 2 submitters: Uncertain significance (2). Last evaluated 2024-11-18.

Conditions:
Gastrointestinal stromal tumor. Also called: Gastrointestinal stromal tumor, somatic; Gastrointestinal stroma tumor. Identifiers: Orphanet 44890, MedGen C0238198, MeSH D046152, MONDO:0011719, OMIM 606764, HP:0100723.
Hereditary cancer-predisposing syndrome. Also called: Neoplastic Syndromes, Hereditary; Hereditary Cancer Syndrome; Hereditary neoplastic syndrome; Tumor predisposition. Identifiers: Orphanet 140162, MedGen C0027672, MeSH D009386, MONDO:0015356.

Submissions (2):

Ambry Genetics
Classification: Uncertain significance for Hereditary cancer-predisposing syndrome. Last evaluated: 2024-11-18. Review status: criteria provided, single submitter. Criteria: Ambry Variant Classification Scheme 2023. Collection method: clinical testing. Allele origin: germline.
Comment: The p.V38L variant (also known as c.112G>C), located in coding exon 2 of the PDGFRA gene, results from a G to C substitution at nucleotide position 112. The valine at codon 38 is replaced by leucine, an amino acid with highly similar properties. This amino acid position is conserved. In addition, this alteration is predicted to be tolerated by in silico analysis. Since supporting evidence is limited at this time, the clinical significance of this alteration remains unclear.

Labcorp Genetics (formerly Invitae), Labcorp
Classification: Uncertain significance for Gastrointestinal stromal tumor. Last evaluated: 2022-02-18. Review status: criteria provided, single submitter. Criteria: Invitae Variant Classification Sherloc (09022015). Collection method: clinical testing. Allele origin: germline.
Comment: ClinVar contains an entry for this variant (Variation ID: 969554). In summary, the available evidence is currently insufficient to determine the role of this variant in disease. Therefore, it has been classified as a Variant of Uncertain Significance. Algorithms developed to predict the effect of missense changes on protein structure and function (SIFT, PolyPhen-2, Align-GVGD) all suggest that this variant is likely to be tolerated. This variant has not been reported in the literature in individuals affected with PDGFRA-related conditions. This variant is not present in population databases (gnomAD no frequency). This sequence change replaces valine, which is neutral and non-polar, with leucine, which is neutral and non-polar, at codon 38 of the PDGFRA protein (p.Val38Leu).